The following is an entry in ClinVar:

ClinVar aggregate classification (germline): Conflicting classifications of pathogenicity. Review status: criteria provided, conflicting classifications (1 of 4 stars). 2 submissions from 2 submitters: Uncertain significance (1); Likely benign (1). Last evaluated 2024-11-01.

Conditions:
Emery-Dreifuss muscular dystrophy 5, autosomal dominant (EDMD5). Also called: EMERY-DREIFUSS MUSCULAR DYSTROPHY 5. Identifiers: Orphanet 261, MedGen C2751805, MONDO:0013072, OMIM 612999.

Allele frequency attached by ClinVar (database versions not stated): TOPMed below 0.00001; ExAC 0.00001; gnomAD exomes 0.00001; gnomAD 0.00002.
gnomAD v4.1: 24 of 1,613,420 alleles (0.0015%); highest among the groups gnomAD compares: Non-Finnish European, 0.0019%; no homozygotes.

Submissions (2):

CeGaT Center for Human Genetics Tuebingen
Classification: Likely benign. Last evaluated: 2024-11-01. Review status: criteria provided, single submitter. Criteria: CeGaT Center For Human Genetics Tuebingen Variant Classification Criteria Version 2. Collection method: clinical testing. Allele origin: germline. Affected: yes. Observed: 1 variant allele.
Comment: SYNE2: BP4

Labcorp Genetics (formerly Invitae), Labcorp
Classification: Uncertain significance for Emery-Dreifuss muscular dystrophy 5, autosomal dominant. Last evaluated: 2018-09-10. Review status: criteria provided, single submitter. Criteria: Invitae Variant Classification Sherloc (09022015). Collection method: clinical testing. Allele origin: germline.
Comment: In summary, the available evidence is currently insufficient to determine the role of this variant in disease. Therefore, it has been classified as a Variant of Uncertain Significance. This sequence change replaces serine with asparagine at codon 2853 of the SYNE2 protein (p.Ser2853Asn). The serine residue is weakly conserved and there is a small physicochemical difference between serine and asparagine. This variant is present in population databases (rs763671728, ExAC 0.01%). This variant has not been reported in the literature in individuals with SYNE2-related disease. Algorithms developed to predict the effect of missense changes on protein structure and function output the following: SIFT: "Tolerated"; PolyPhen-2: "Benign"; Align-GVGD: "Class C0". The asparagine amino acid residue is found in multiple mammalian species, suggesting that this missense change does not adversely affect protein function. These predictions have not been confirmed by published functional studies and their clinical significance is uncertain.

NM_182914.3(SYNE2):c.8558G>A (p.Ser2853Asn)

Gene: SYNE2 (spectrin repeat containing nuclear envelope protein 2; plus strand). Cytogenetic location: 14q23.2.
Variant type: single nucleotide variant.
Coding change: c.8558G>A on transcript NM_182914.3 (MANE Select); coding-DNA position 8558, G replaced by A.
Protein change: p.Ser2853Asn; replaces serine 2853 with asparagine.
Molecular consequence: missense variant.
Genome position (GRCh38, 1-based): chr14:64,052,471, G>A. VCF-style: chr14-64052471-G-A. GRCh37 (hg19) VCF-style: chr14-64519189-G-A.
Other names: c.8558G>A, p.Ser2853Asn (NM_015180.6); short protein forms S2853N.
Identifiers: ClinVar variation 644580 (VCV000644580.22), dbSNP rs763671728, ClinGen allele CA7221130.